The following is an entry in ClinVar:

NM_001282860.2(GON4L):c.2119C>G (p.Leu707Val)

Gene: GON4L (gon-4 like; minus strand). Cytogenetic location: 1q22.
Variant type: single nucleotide variant.
Coding change: c.2119C>G on transcript NM_001282860.2 (MANE Select); coding-DNA position 2119, C replaced by G.
Protein change: p.Leu707Val; replaces leucine 707 with valine.
Molecular consequence: missense variant.
Genome position (GRCh38, 1-based): chr1:155,776,454, G>C on the plus strand (C>G on the coding strand, the complement: GON4L is on the minus strand). VCF-style: chr1-155776454-G-C. GRCh37 (hg19) VCF-style: chr1-155746245-G-C.
Other names: c.2119C>G, p.Leu707Val (NM_001282856.2, NM_001282858.2, NM_001282861.2 and 1 more transcripts); c.2119C>G (NM_001282860.1); short protein forms L707V.
Identifiers: ClinVar variation 2639437 (VCV002639437.26), dbSNP rs146504521, ClinGen allele CA1150911.
Genomic context (GRCh38, chr1:155,776,454, plus strand): 5'-CAAGAAATATCCTGGTGGTAGTGGCCTCCGGATTGAGGTTGGGGTTGCAGGTGGCAAGAA[G>C]GTGGATTTGGGTCAAGAGCTGAACGTGCTGGGGATGGAAAGAAAATGATGAAGTGACATG-3'
Protein context (NP_001269789.1, residues 697-717): QHVQLLTQIH[Leu707Val]LATCNPNLNP

ClinVar aggregate classification (germline): Likely benign. Review status: criteria provided, multiple submitters, no conflicts (2 of 4 stars). 3 submissions from 3 submitters: Likely benign (2). 1 of the submissions does not count toward it. Last evaluated 2024-11-26.

Conditions:
GON4L-related disorder. Also called: GON4L-related condition.

Allele frequency attached by ClinVar (database versions not stated): 1000 Genomes Project 0.00120; 1000 Genomes Project 30x 0.00172; gnomAD 0.00275; ESP Exome Variant Server 0.00277; TOPMed 0.00283; gnomAD exomes 0.00333; ExAC 0.00402.
gnomAD v4.1: 5,353 of 1,612,910 alleles (0.33%); highest among the groups gnomAD compares: Middle Eastern, 0.38%; 20 homozygotes.

Submissions (3):

Blueprint Genetics
Classification: Likely benign. Last evaluated: 2024-11-26. Review status: criteria provided, single submitter. Criteria: ACMG Guidelines, 2015. Collection method: clinical testing. Allele origin: germline.

CeGaT Center for Human Genetics Tuebingen
Classification: Likely benign. Last evaluated: 2024-01-01. Review status: criteria provided, single submitter. Criteria: CeGaT Center For Human Genetics Tuebingen Variant Classification Criteria Version 2. Collection method: clinical testing. Allele origin: germline. Affected: yes. Observed: 3 variant alleles.
Comment: GON4L: BP4, BS2

PreventionGenetics, part of Exact Sciences
Classification: Benign for GON4L-related condition. Last evaluated: 2019-06-13. Review status: no assertion criteria provided. Collection method: clinical testing. Allele origin: germline. Not counted in ClinVar's aggregate classification.
Comment: This variant is classified as benign based on ACMG/AMP sequence variant interpretation guidelines (Richards et al. 2015 PMID: 25741868, with internal and published modifications).